The following is an entry in ClinVar:

NM_198565.3(NRROS):c.1425G>A (p.Gly475=)

Gene: NRROS (negative regulator of reactive oxygen species; plus strand). Cytogenetic location: 3q29.
Variant type: single nucleotide variant.
Coding change: c.1425G>A on transcript NM_198565.3 (MANE Select); coding-DNA position 1425, G replaced by A.
Protein change: p.Gly475=; no amino-acid change (glycine 475 retained).
Molecular consequence: synonymous variant.
Genome position (GRCh38, 1-based): chr3:196,661,068, G>A. VCF-style: chr3-196661068-G-A. GRCh37 (hg19) VCF-style: chr3-196387939-G-A.
Identifiers: ClinVar variation 2654511 (VCV002654511.25), dbSNP rs141522978, ClinGen allele CA2781915.
Genomic context (GRCh38, chr3:196,661,068, plus strand): 5'-TGTGGATTTCAGGAATATGGCATCTTTAAGGAGCCTGTCTCTGGAGGGCTGTGGCCTGGG[G>A]GCATTGCCAGACTGCCCATTCCAAGGGACCTCCCTGACCTACTTAGACCTCTCAAGCAAC-3'
Protein context (NP_940967.1, residues 465-485): RSLSLEGCGL[Gly475=]ALPDCPFQGT

ClinVar aggregate classification (germline): Likely benign. Review status: criteria provided, multiple submitters, no conflicts (2 of 4 stars). 2 submissions from 2 submitters: Likely benign (2). Last evaluated 2023-10-04.

Allele frequency attached by ClinVar (database versions not stated): gnomAD 0.00002; TOPMed 0.00002; ExAC 0.00004; ESP Exome Variant Server 0.00008.
gnomAD v4.1: 39 of 1,614,008 alleles (0.0024%); highest among the groups gnomAD compares: Non-Finnish European, 0.0031%; no homozygotes.

Submissions (2):

Blueprint Genetics
Classification: Likely benign. Last evaluated: 2023-10-04. Review status: criteria provided, single submitter. Criteria: ACMG Guidelines, 2015. Collection method: clinical testing. Allele origin: germline.

CeGaT Center for Human Genetics Tuebingen
Classification: Likely benign. Last evaluated: 2023-08-01. Review status: criteria provided, single submitter. Criteria: CeGaT Center For Human Genetics Tuebingen Variant Classification Criteria Version 2. Collection method: clinical testing. Allele origin: germline. Affected: yes. Observed: 1 variant allele.
Comment: NRROS: BP4, BP7